The following is an entry in ClinVar:

NM_005909.5(MAP1B):c.6471G>T (p.Gln2157His)

Gene: MAP1B (microtubule associated protein 1B; plus strand). Cytogenetic location: 5q13.2.
Variant type: single nucleotide variant.
Coding change: c.6471G>T on transcript NM_005909.5 (MANE Select); coding-DNA position 6471, G replaced by T.
Protein change: p.Gln2157His; replaces glutamine 2157 with histidine.
Molecular consequence: missense variant.
Genome position (GRCh38, 1-based): chr5:72,199,826, G>T. VCF-style: chr5-72199826-G-T. GRCh37 (hg19) VCF-style: chr5-71495653-G-T.
Other names: c.6093G>T, p.Gln2031His (NM_001324255.2); short protein forms Q2031H, Q2157H.
Identifiers: ClinVar variation 1709361 (VCV001709361.2), dbSNP rs2478587132, ClinGen allele CA360022954.

ClinVar aggregate classification (germline): Uncertain significance (1 of 4 stars; one submission).

Conditions:
Periventricular nodular heterotopia 9. Identifiers: MedGen C5394503, MONDO:0030061, OMIM 618918.

Submission:

MGZ Medical Genetics Center
Classification: Uncertain significance for Periventricular nodular heterotopia 9. Last evaluated: 2022-05-04. Review status: criteria provided, single submitter. Criteria: ACMG Guidelines, 2015. Collection method: clinical testing. Allele origin: germline. Affected: yes. Observed: 1 variant allele.
Comment: ACMG criteria applied: PM2_SUP, BP4